The following is an entry in ClinVar:

NM_000245.4(MET):c.2813T>C (p.Val938Ala)

Gene: MET (MET proto-oncogene, receptor tyrosine kinase; plus strand). Cytogenetic location: 7q31.2.
Variant type: single nucleotide variant.
Coding change: c.2813T>C on transcript NM_000245.4 (MANE Select); coding-DNA position 2813, T replaced by C.
Protein change: p.Val938Ala; replaces valine 938 with alanine.
Molecular consequence: missense variant.
Genome position (GRCh38, 1-based): chr7:116,771,580, T>C. VCF-style: chr7-116771580-T-C. GRCh37 (hg19) VCF-style: chr7-116411634-T-C.
Other names: c.2867T>C (LRG_662t1); c.2867T>C, p.Val956Ala (NM_001127500.3); c.1523T>C, p.Val508Ala (NM_001324402.2); short protein forms V956A, V508A, V938A.
Identifiers: ClinVar variation 454226 (VCV000454226.18), dbSNP rs1554398288, ClinGen allele CA368986563.

ClinVar aggregate classification (germline): Conflicting classifications of pathogenicity. Review status: criteria provided, conflicting classifications (1 of 4 stars). 2 submissions from 2 submitters: Uncertain significance (1); Likely benign (1). Last evaluated 2026-06-11.

Conditions:
Renal cell carcinoma. Identifiers: Orphanet 217071, MedGen C0007134, MeSH D002292, MONDO:0005086, HP:0005584.
Hereditary cancer-predisposing syndrome. Also called: Hereditary Cancer Syndrome; Tumor predisposition; Hereditary neoplastic syndrome; Neoplastic Syndromes, Hereditary. Identifiers: Orphanet 140162, MedGen C0027672, MeSH D009386, MONDO:0015356.

Allele frequency attached by ClinVar (database versions not stated): gnomAD exomes 0.00001.
gnomAD v4.1: 23 of 1,613,900 alleles (0.0014%); highest among the groups gnomAD compares: South Asian, 0.0033%; no homozygotes.

Submissions (2):

Ambry Genetics
Classification: Likely benign for Hereditary cancer-predisposing syndrome. Last evaluated: 2026-06-11. Review status: criteria provided, single submitter. Criteria: Ambry Variant Classification Scheme 2023. Collection method: clinical testing. Allele origin: germline.

Labcorp Genetics (formerly Invitae), Labcorp
Classification: Uncertain significance for Renal cell carcinoma. Last evaluated: 2025-05-13. Review status: criteria provided, single submitter. Criteria: Invitae Variant Classification Sherloc (09022015). Collection method: clinical testing. Allele origin: germline.
Comment: This sequence change replaces valine, which is neutral and non-polar, with alanine, which is neutral and non-polar, at codon 956 of the MET protein (p.Val956Ala). This variant is not present in population databases (gnomAD no frequency). This variant has not been reported in the literature in individuals affected with MET-related conditions. ClinVar contains an entry for this variant (Variation ID: 454226). Invitae Evidence Modeling of protein sequence and biophysical properties (such as structural, functional, and spatial information, amino acid conservation, physicochemical variation, residue mobility, and thermodynamic stability) indicates that this missense variant is not expected to disrupt MET protein function with a negative predictive value of 80%. In summary, the available evidence is currently insufficient to determine the role of this variant in disease. Therefore, it has been classified as a Variant of Uncertain Significance.